The following is an entry in ClinVar:

ClinVar aggregate classification (germline): Likely pathogenic (1 of 4 stars; one submission).

Conditions:
Dilated cardiomyopathy 1G (CMD1G). Identifiers: Orphanet 154, MedGen C1858763, MONDO:0011400, OMIM 604145.
Autosomal recessive limb-girdle muscular dystrophy type 2J (LGMDR10). Also called: Limb-girdle muscular dystrophy, type 2J; MUSCULAR DYSTROPHY, LIMB-GIRDLE, AUTOSOMAL RECESSIVE 10. Identifiers: Orphanet 140922, MedGen C1837342, MONDO:0012127, OMIM 608807.

Submission:

Labcorp Genetics (formerly Invitae), Labcorp
Classification: Likely pathogenic for Dilated cardiomyopathy 1G; Autosomal recessive limb-girdle muscular dystrophy type 2J. Last evaluated: 2023-05-23. Review status: criteria provided, single submitter. Criteria: Invitae Variant Classification Sherloc (09022015). Collection method: clinical testing. Allele origin: germline.
Comment: In summary, the currently available evidence indicates that the variant is pathogenic, but additional data are needed to prove that conclusively. Therefore, this variant has been classified as Likely Pathogenic. This variant is located in the A band of TTN (PMID: 25589632). Truncating variants in this region are significantly overrepresented in patients affected with dilated cardiomyopathy (PMID: 25589632). Truncating variants in this region have also been reported in individuals affected with autosomal recessive centronuclear myopathy (PMID: 23975875). ClinVar contains an entry for this variant (Variation ID: 1507931). This variant has not been reported in the literature in individuals affected with TTN-related conditions. This variant is not present in population databases (gnomAD no frequency). This sequence change creates a premature translational stop signal (p.Tyr23786Leufs*2) in the TTN gene. While this is not anticipated to result in nonsense mediated decay, it is expected to create a truncated TTN protein.

Literature cited by the submitters: PubMed 25589632; PubMed 23975875.

NM_001267550.2(TTN):c.71356dup (p.Tyr23786fs)

Genes: TTN (titin; minus strand), TTN-AS1 (TTN antisense RNA 1; plus strand). Cytogenetic location: 2q31.2.
Variant type: Duplication.
Coding change: c.71356dup on transcript NM_001267550.2 (MANE Select); coding-DNA position 71356, one base duplicated (T; older notation c.71356dupT).
Protein change: p.Tyr23786fs; shifts the reading frame from tyrosine 23786.
Molecular consequence: frameshift variant.
Genome position (GRCh38, 1-based): chr2:178,574,776, A duplicated on the plus strand (T on the coding strand, the reverse complement: TTN is on the minus strand). VCF-style (leftmost placement, unchanged base first): chr2-178574775-T-TA. GRCh37 (hg19) VCF-style: chr2-179439502-T-TA.
Other names: c.66433dup, p.Tyr22145fs (NM_001256850.1); c.44161dup, p.Tyr14721fs (NM_003319.4); c.63652dup, p.Tyr21218fs (NM_133378.4); c.44536dup, p.Tyr14846fs (NM_133432.3); c.44737dup, p.Tyr14913fs (NM_133437.4); short protein forms Y21218fs, Y22145fs, Y23786fs, Y14721fs, Y14846fs, Y14913fs.
Identifiers: ClinVar variation 1507931 (VCV001507931.6), dbSNP rs2154171765, ClinGen allele CA2573134316.